The following is an entry in ClinVar:

ClinVar aggregate classification (germline): Uncertain significance. Review status: criteria provided, multiple submitters, no conflicts (2 of 4 stars). 2 submissions from 2 submitters: Uncertain significance (2). Last evaluated 2023-12-08.

Conditions:
Inborn genetic diseases. Identifiers: MedGen C0950123, MeSH D030342.

Allele frequency attached by ClinVar (database versions not stated): gnomAD exomes below 0.00001.
gnomAD v4.1: 1 of 1,613,984 alleles (0.000062%); no homozygotes.

Submissions (2):

Ambry Genetics
Classification: Uncertain significance for Inborn genetic diseases. Last evaluated: 2023-12-08. Review status: criteria provided, single submitter. Criteria: Ambry Variant Classification Scheme 2023. Collection method: clinical testing. Allele origin: germline.

Labcorp Genetics (formerly Invitae), Labcorp
Classification: Uncertain significance. Last evaluated: 2022-08-16. Review status: criteria provided, single submitter. Criteria: Invitae Variant Classification Sherloc (09022015). Collection method: clinical testing. Allele origin: germline.
Comment: This variant is present in population databases (no rsID available, gnomAD no frequency). This sequence change replaces proline, which is neutral and non-polar, with alanine, which is neutral and non-polar, at codon 2215 of the COL7A1 protein (p.Pro2215Ala). In summary, the available evidence is currently insufficient to determine the role of this variant in disease. Therefore, it has been classified as a Variant of Uncertain Significance. Advanced modeling of protein sequence and biophysical properties (such as structural, functional, and spatial information, amino acid conservation, physicochemical variation, residue mobility, and thermodynamic stability) performed at Invitae indicates that this missense variant is not expected to disrupt COL7A1 protein function. ClinVar contains an entry for this variant (Variation ID: 1478377). This variant has not been reported in the literature in individuals affected with COL7A1-related conditions.

NM_000094.4(COL7A1):c.6643C>G (p.Pro2215Ala)

Gene: COL7A1 (collagen type VII alpha 1 chain; minus strand). Cytogenetic location: 3p21.31.
Variant type: single nucleotide variant.
Coding change: c.6643C>G on transcript NM_000094.4 (MANE Select); coding-DNA position 6643, C replaced by G.
Protein change: p.Pro2215Ala; replaces proline 2215 with alanine.
Molecular consequence: missense variant.
Genome position (GRCh38, 1-based): chr3:48,573,324, G>C on the plus strand (C>G on the coding strand, the complement: COL7A1 is on the minus strand). VCF-style: chr3-48573324-G-C. GRCh37 (hg19) VCF-style: chr3-48610757-G-C.
Other names: c.6643C>G (NM_000094.3); short protein forms P2215A.
Identifiers: ClinVar variation 1478377 (VCV001478377.7), dbSNP rs1489201304, ClinGen allele CA352655989.